The following is an entry in ClinVar:

NM_001354604.2(MITF):c.878_879insCT (p.Thr293_Ala294insTer)

Gene: MITF (melanocyte inducing transcription factor; plus strand). Cytogenetic location: 3p13.
Variant type: Insertion.
Coding change: c.878_879insCT on transcript NM_001354604.2 (MANE Select); coding-DNA positions 878 to 879, CT inserted.
Protein change: p.Thr293_Ala294insTer.
Molecular consequence: frameshift variant.
Genome position: GRCh38 VCF-style: chr3-69949166-C-CCT. GRCh37 (hg19) VCF-style: chr3-69998317-C-CCT.
Other names: c.557_558insCT, p.Thr186_Ala187insTer (NM_000248.4); c.722_723insCT, p.Thr241_Glu242insTer (NM_001184967.2, NM_001354608.2); c.875_876insCT, p.Thr292_Ala293insTer (NM_001354605.2); c.875_876insCT, p.Thr292_Glu293insTer (NM_001354606.2, NM_006722.3); c.827_828insCT, p.Thr276_Glu277insTer (NM_001354607.2); c.557_558insCT, p.Thr186_Glu187insTer (NM_198158.3); c.878_879insCT, p.Thr293_Glu294insTer (NM_198159.3); c.830_831insCT, p.Thr277_Glu278insTer (NM_198177.3); and 1 more.
Identifiers: ClinVar variation 3601253 (VCV003601253.1).

ClinVar aggregate classification (germline): Pathogenic (1 of 4 stars; one submission).

Conditions:
Waardenburg syndrome type 2A (WS2A). Also called: WAARDENBURG SYNDROME WITHOUT DYSTOPIA CANTHORUM. Identifiers: Orphanet 3440, MedGen C1860339, MONDO:0008671, OMIM 193510.

Submission:

Institute of Rare Diseases, West China Hospital, Sichuan University
Classification: Pathogenic for Waardenburg syndrome type 2A. Last evaluated: 2025-01-09. Review status: criteria provided, single submitter. Criteria: ClinGen HL ACMG Specifications v1. Collection method: research. Allele origin: germline. Affected: yes.
Comment: PVS1;PP4;PM2_Supporting